The following is an entry in ClinVar:

NM_004608.4(TBX6):c.266C>T (p.Pro89Leu)

Gene: TBX6 (T-box transcription factor 6; minus strand). Cytogenetic location: 16p11.2.
Variant type: single nucleotide variant.
Coding change: c.266C>T on transcript NM_004608.4 (MANE Select); coding-DNA position 266, C replaced by T.
Protein change: p.Pro89Leu; replaces proline 89 with leucine.
Molecular consequence: missense variant.
Genome position (GRCh38, 1-based): chr16:30,090,845, G>A on the plus strand (C>T on the coding strand, the complement: TBX6 is on the minus strand). VCF-style: chr16-30090845-G-A. GRCh37 (hg19) VCF-style: chr16-30102166-G-A.
Other names: short protein forms P89L.
Identifiers: ClinVar variation 4690454 (VCV004690454.1).

ClinVar aggregate classification (germline): Uncertain significance (1 of 4 stars; one submission).

gnomAD v4.1: 2 of 1,604,934 alleles (0.00012%); highest among the groups gnomAD compares: Non-Finnish European, 0.000085%; no homozygotes.

Submission:

Labcorp Genetics (formerly Invitae), Labcorp
Classification: Uncertain significance. Last evaluated: 2025-07-27. Review status: criteria provided, single submitter. Criteria: Invitae Variant Classification Sherloc (09022015). Collection method: clinical testing. Allele origin: germline.
Comment: This sequence change replaces proline, which is neutral and non-polar, with leucine, which is neutral and non-polar, at codon 89 of the TBX6 protein (p.Pro89Leu). This variant is not present in population databases (gnomAD no frequency). This variant has not been reported in the literature in individuals affected with TBX6-related conditions. Invitae Evidence Modeling of protein sequence and biophysical properties (such as structural, functional, and spatial information, amino acid conservation, physicochemical variation, residue mobility, and thermodynamic stability) indicates that this missense variant is not expected to disrupt TBX6 protein function with a negative predictive value of 80%. In summary, the available evidence is currently insufficient to determine the role of this variant in disease. Therefore, it has been classified as a Variant of Uncertain Significance.